The following is an entry in ClinVar:

NM_000781.3(CYP11A1):c.174del (p.Trp59fs)

Gene: CYP11A1 (cytochrome P450 family 11 subfamily A member 1; minus strand). Cytogenetic location: 15q24.1.
Variant type: Deletion.
Coding change: c.174del on transcript NM_000781.3 (MANE Select); coding-DNA position 174, one base deleted (C; older notation c.174delC).
Protein change: p.Trp59fs; shifts the reading frame from tryptophan 59.
Molecular consequence: frameshift variant.
Genome position (GRCh38, 1-based): chr15:74,367,412, G deleted on the plus strand (C on the coding strand, the reverse complement: CYP11A1 is on the minus strand). VCF-style (leftmost placement, unchanged base first): chr15-74367411-AG-A. GRCh37 (hg19) VCF-style: chr15-74659752-AG-A.
Other names: short protein forms W59fs.
Identifiers: ClinVar variation 3672595 (VCV003672595.1).
Genomic context (GRCh38, chr15:74,367,411, plus strand): 5'-CATGGTGAAGGTGGACTTTGTGTGTGCCCGTCTCCCTCCAGAAATGGTACAGGTTTAGCC[AG>A]CCATTGTCACCAGGAGAGGGGATCTCATTGAAGGGGCGAGGACTGCGGGTGGAGATGCCA-3'

ClinVar aggregate classification (germline): Pathogenic (1 of 4 stars; one submission).

Submission:

Labcorp Genetics (formerly Invitae), Labcorp
Classification: Pathogenic. Last evaluated: 2023-09-20. Review status: criteria provided, single submitter. Criteria: Invitae Variant Classification Sherloc (09022015). Collection method: clinical testing. Allele origin: germline.
Comment: This sequence change creates a premature translational stop signal (p.Trp59Glyfs*2) in the CYP11A1 gene. It is expected to result in an absent or disrupted protein product. Loss-of-function variants in CYP11A1 are known to be pathogenic (PMID: 15507506, 22435390, 27855232, 229968487). This variant is not present in population databases (gnomAD no frequency). This variant has not been reported in the literature in individuals affected with CYP11A1-related conditions. For these reasons, this variant has been classified as Pathogenic.

Literature cited by the submitters: PubMed 15507506; PubMed 22435390; PubMed 27855232; PubMed 229968487.